The following is an entry in ClinVar:

ClinVar aggregate classification (germline): Pathogenic (1 of 4 stars; one submission).

Submission:

Labcorp Genetics (formerly Invitae), Labcorp
Classification: Pathogenic. Last evaluated: 2023-01-30. Review status: criteria provided, single submitter. Criteria: Invitae Variant Classification Sherloc (09022015). Collection method: clinical testing. Allele origin: germline.
Comment: This variant disrupts a region of the EYS protein in which other variant(s) (p.Val1270Gly) have been determined to be pathogenic (PMID: 22302105, 31814702, 32218477, 33691693). This suggests that this is a clinically significant region of the protein, and that variants that disrupt it are likely to be disease-causing. For these reasons, this variant has been classified as Pathogenic. This variant has not been reported in the literature in individuals affected with EYS-related conditions. This variant results in the deletion of exon 25 and part of exon 26 (c.3685-499_4012del) of the EYS gene. It is expected to disrupt RNA splicing. Variants that disrupt the donor or acceptor splice site typically lead to a loss of protein function (PMID: 16199547), and loss-of-function variants in EYS are known to be pathogenic (PMID: 18836446, 20333770).

Literature cited by the submitters: PubMed 22302105; PubMed 31814702; PubMed 32218477; PubMed 33691693; PubMed 16199547; PubMed 18836446; PubMed 20333770.

NC_000006.11:g.(?_65301748)_(65303701_?)del

Gene: EYS (eyes shut homolog; minus strand). Cytogenetic location: 6q12.
Variant type: Deletion.
Identifiers: ClinVar variation 1459253 (VCV001459253.5).